The following is an entry in ClinVar:

NM_030665.4(RAI1):c.1030C>T (p.His344Tyr)

Gene: RAI1 (retinoic acid induced 1; plus strand). Cytogenetic location: 17p11.2.
Variant type: single nucleotide variant.
Coding change: c.1030C>T on transcript NM_030665.4 (MANE Select); coding-DNA position 1030, C replaced by T.
Protein change: p.His344Tyr; replaces histidine 344 with tyrosine.
Molecular consequence: missense variant.
Genome position (GRCh38, 1-based): chr17:17,793,978, C>T. VCF-style: chr17-17793978-C-T. GRCh37 (hg19) VCF-style: chr17-17697292-C-T.
Other names: short protein forms H344Y.
Identifiers: ClinVar variation 2633851 (VCV002633851.4), dbSNP rs2032129471, ClinGen allele CA398546750.

ClinVar aggregate classification (germline): Uncertain significance. Review status: criteria provided, single submitter (1 of 4 stars). 2 submissions from 2 submitters: Uncertain significance (1). 1 of the submissions does not count toward it. Last evaluated 2026-01-21.

Conditions:
RAI1-related disorder. Also called: RAI1-related condition.

Allele frequency attached by ClinVar (database versions not stated): gnomAD exomes below 0.00001.
gnomAD v4.1: 1 of 1,613,944 alleles (0.000062%); highest among the groups gnomAD compares: Non-Finnish European, 0.000085%; no homozygotes.

Submissions (2):

Labcorp Genetics (formerly Invitae), Labcorp
Classification: Uncertain significance. Last evaluated: 2026-01-21. Review status: criteria provided, single submitter. Criteria: Invitae Variant Classification Sherloc (09022015). Collection method: clinical testing. Allele origin: germline.
Comment: This sequence change replaces histidine, which is basic and polar, with tyrosine, which is neutral and polar, at codon 344 of the RAI1 protein (p.His344Tyr). This variant is not present in population databases (gnomAD no frequency). This variant has not been reported in the literature in individuals affected with RAI1-related conditions. ClinVar contains an entry for this variant (Variation ID: 2633851). Invitae Evidence Modeling of protein sequence and biophysical properties (such as structural, functional, and spatial information, amino acid conservation, physicochemical variation, residue mobility, and thermodynamic stability) indicates that this missense variant is expected to disrupt RAI1 protein function with a positive predictive value of 80%. In summary, the available evidence is currently insufficient to determine the role of this variant in disease. Therefore, it has been classified as a Variant of Uncertain Significance.

PreventionGenetics, part of Exact Sciences
Classification: Uncertain significance for RAI1-related condition. Last evaluated: 2023-12-30. Review status: no assertion criteria provided. Collection method: clinical testing. Allele origin: germline. Not counted in ClinVar's aggregate classification.
Comment: The RAI1 c.1030C>T variant is predicted to result in the amino acid substitution p.His344Tyr. To our knowledge, this variant has not been reported in the literature or in a large population database, indicating this variant is rare. At this time, the clinical significance of this variant is uncertain due to the absence of conclusive functional and genetic evidence.